The following is an entry in ClinVar:

ClinVar aggregate classification (germline): Uncertain significance. Review status: criteria provided, multiple submitters, no conflicts (2 of 4 stars). 5 submissions from 5 submitters: Uncertain significance (5). Last evaluated 2025-05-26.

Conditions:
Myopathy, proximal, and ophthalmoplegia (CMYO6). Also called: INCLUSION BODY MYOPATHY 3, AUTOSOMAL DOMINANT; MYOPATHY WITH CONGENITAL JOINT CONTRACTURES, OPHTHALMOPLEGIA, AND RIMMED VACUOLES; CONGENITAL MYOPATHY 6 WITH OPHTHALMOPLEGIA. Identifiers: Orphanet 363677, Orphanet 79091, MedGen C1854106, MONDO:0011577, OMIM 605637.
Inborn genetic diseases. Identifiers: MedGen C0950123, MeSH D030342.

Allele frequency attached by ClinVar (database versions not stated): gnomAD exomes 0.00004 and 0.00007; ExAC 0.00005; gnomAD 0.00005; TOPMed 0.00005; ESP Exome Variant Server 0.00008.
gnomAD v4.1: 103 of 1,614,164 alleles (0.0064%); highest among the groups gnomAD compares: Non-Finnish European, 0.0081%; no homozygotes.

Submissions (5):

Labcorp Genetics (formerly Invitae), Labcorp
Classification: Uncertain significance for Myopathy, proximal, and ophthalmoplegia. Last evaluated: 2025-05-26. Review status: criteria provided, single submitter. Criteria: Invitae Variant Classification Sherloc (09022015). Collection method: clinical testing. Allele origin: germline.
Comment: This sequence change replaces threonine, which is neutral and polar, with methionine, which is neutral and non-polar, at codon 512 of the MYH2 protein (p.Thr512Met). This variant is present in population databases (rs376478405, gnomAD 0.007%). This variant has not been reported in the literature in individuals affected with MYH2-related conditions. ClinVar contains an entry for this variant (Variation ID: 661850). Invitae Evidence Modeling of protein sequence and biophysical properties (such as structural, functional, and spatial information, amino acid conservation, physicochemical variation, residue mobility, and thermodynamic stability) has been performed for this missense variant. However, the output from this modeling did not meet the statistical confidence thresholds required to predict the impact of this variant on MYH2 protein function. In summary, the available evidence is currently insufficient to determine the role of this variant in disease. Therefore, it has been classified as a Variant of Uncertain Significance.

GeneDx
Classification: Uncertain significance. Last evaluated: 2025-03-20. Review status: criteria provided, single submitter. Criteria: GeneDx Variant Classification Process June 2021. Collection method: clinical testing. Allele origin: germline. Affected: yes.
Comment: In silico analysis indicates that this missense variant does not alter protein structure/function; Has not been previously published as pathogenic or benign to our knowledge

Ambry Genetics
Classification: Uncertain significance for Inborn genetic diseases. Last evaluated: 2024-10-22. Review status: criteria provided, single submitter. Criteria: Ambry Variant Classification Scheme 2023. Collection method: clinical testing. Allele origin: germline.

Women's Health and Genetics/Laboratory Corporation of America, LabCorp
Classification: Uncertain significance. Last evaluated: 2022-10-28. Review status: criteria provided, single submitter. Criteria: LabCorp Variant Classification Summary - May 2015. Collection method: clinical testing. Allele origin: germline.
Comment: Variant summary: MYH2 c.1535C>T (p.Thr512Met) results in a non-conservative amino acid change located in the Myosin head, motor domain (IPR001609) of the encoded protein sequence. Three of five in-silico tools predict a benign effect of the variant on protein function. The variant allele was found at a frequency of 3.6e-05 in 251474 control chromosomes (gnomAD). The available data on variant occurrences in the general population are insufficient to allow any conclusion about variant significance. To our knowledge, no occurrence of c.1535C>T in individuals affected with Myopathy, Proximal, And Ophthalmoplegia and no experimental evidence demonstrating its impact on protein function have been reported. A ClinVar submitter (evaluation after 2014) cites the variant as uncertain significance. Based on the evidence outlined above, the variant was classified as uncertain significance.

Revvity Omics, Revvity
Classification: Uncertain significance for Myopathy, proximal, and ophthalmoplegia. Last evaluated: 2019-12-24. Review status: criteria provided, single submitter. Criteria: ACMG Guidelines, 2015. Collection method: clinical testing. Allele origin: germline.

NM_017534.6(MYH2):c.1535C>T (p.Thr512Met)

Genes: MYH2 (myosin heavy chain 2; minus strand), MYHAS (myosin heavy chain gene cluster antisense RNA; plus strand). Cytogenetic location: 17p13.1.
Variant type: single nucleotide variant.
Coding change: c.1535C>T on transcript NM_017534.6 (MANE Select); coding-DNA position 1535, C replaced by T.
Protein change: p.Thr512Met; replaces threonine 512 with methionine.
Molecular consequence: missense variant.
Genome position (GRCh38, 1-based): chr17:10,537,717, G>A on the plus strand (C>T on the coding strand, the complement: MYH2 is on the minus strand). VCF-style: chr17-10537717-G-A. GRCh37 (hg19) VCF-style: chr17-10441034-G-A.
Other names: c.1535C>T, p.Thr512Met (NM_001100112.2); short protein forms T512M.
Identifiers: ClinVar variation 661850 (VCV000661850.12), dbSNP rs376478405, ClinGen allele CA8391354.
Genomic context (GRCh38, chr17:10,537,717, plus strand): 5'-AAACCAACCTTCTCGATGAGCTCGATGCAGGCAGCCAGGTCCATCCCGAAGTCGATGAAC[G>A]TCCACTCGATGCCTTCCTTCTTGTACTCCTCCTGCTCCAGCACGAACATGTGGTGGTTGA-3'
Protein context (NP_060004.3, residues 502-522): EEYKKEGIEW[Thr512Met]FIDFGMDLAA